The following is an entry in ClinVar:

NM_001009944.3(PKD1):c.7937T>C (p.Ile2646Thr)

Gene: PKD1 (polycystin 1, transient receptor potential channel interacting; minus strand). Cytogenetic location: 16p13.3.
Variant type: single nucleotide variant.
Coding change: c.7937T>C on transcript NM_001009944.3 (MANE Select); coding-DNA position 7937, T replaced by C.
Protein change: p.Ile2646Thr; replaces isoleucine 2646 with threonine.
Molecular consequence: missense variant.
Genome position (GRCh38, 1-based): chr16:2,105,401, A>G on the plus strand (T>C on the coding strand, the complement: PKD1 is on the minus strand). VCF-style: chr16-2105401-A-G. GRCh37 (hg19) VCF-style: chr16-2155402-A-G.
Other names: c.7937T>C, p.Ile2646Thr (NM_000296.4); short protein forms I2646T.
Identifiers: ClinVar variation 930958 (VCV000930958.32), dbSNP rs374500158, ClinGen allele CA7830804.

ClinVar aggregate classification (germline): Conflicting classifications of pathogenicity. Review status: criteria provided, conflicting classifications (1 of 4 stars). 7 submissions from 7 submitters: Uncertain significance (2); Likely benign (4). 1 of the submissions does not count toward it. Last evaluated 2026-09-01.

Conditions:
Polycystic kidney disease. Also called: Polycystic kidney dysplasia; Kidney, Polycystic. Identifiers: MedGen C0022680, MeSH D007690, MONDO:0020642, HP:0000113.
Polycystic kidney disease, adult type (PKD1). Also called: Polycystic Kidney, Autosomal Dominant; POLYCYSTIC KIDNEY DISEASE, ADULT, TYPE I; POLYCYSTIC KIDNEY DISEASE 1 WITH OR WITHOUT POLYCYSTIC LIVER DISEASE; Polycystic Kidney Disease 1, Autosomal Dominant; Polycystic kidney disease 1; Polycystic kidney disease 1, severe. Identifiers: MedGen C3149841, MONDO:0008263, OMIM 173900.

Allele frequency attached by ClinVar (database versions not stated): ESP Exome Variant Server 0.00014; ExAC 0.00019; gnomAD exomes 0.00023 and 0.00025; TOPMed 0.00024; gnomAD 0.00026 and 0.00029.
gnomAD v4.1: 388 of 1,585,620 alleles (0.024%); highest among the groups gnomAD compares: Non-Finnish European, 0.031%; 1 homozygote.

Submissions (7):

CeGaT Center for Human Genetics Tuebingen
Classification: Likely benign. Last evaluated: 2026-09-01. Review status: criteria provided, single submitter. Criteria: CeGaT Center For Human Genetics Tuebingen Variant Classification Criteria Version 2. Collection method: clinical testing. Allele origin: germline. Affected: yes. Observed: 5 variant alleles.
Comment: PKD1: BS2

Laboratory of Genetics, Children's Clinical University Hospital Latvia
Classification: Likely benign. Last evaluated: 2025-02-16. Review status: criteria provided, single submitter. Criteria: ACMG Guidelines, 2015. Collection method: clinical testing. Allele origin: germline. Affected: yes.

Blueprint Genetics
Classification: Likely benign. Last evaluated: 2024-11-21. Review status: criteria provided, single submitter. Criteria: ACMG Guidelines, 2015. Collection method: clinical testing. Allele origin: germline.

GeneDx
Classification: Uncertain significance. Last evaluated: 2023-09-11. Review status: criteria provided, single submitter. Criteria: GeneDx Variant Classification Process June 2021. Collection method: clinical testing. Allele origin: germline. Affected: yes.
Comment: In silico analysis supports that this missense variant has a deleterious effect on protein structure/function; This variant is associated with the following publications: (PMID: 21115670)

Victorian Clinical Genetics Services, Murdoch Childrens Research Institute
Classification: Likely benign for Polycystic kidney disease, adult type. Last evaluated: 2020-10-19. Review status: criteria provided, single submitter. Criteria: ACMG Guidelines, 2015. Collection method: clinical testing. Allele origin: germline. Inheritance: Autosomal dominant inheritance.
Comment: Based on the classification scheme VCGS_Germline_v1.1.1, this variant is classified as Likely Benign. Following criteria are met: 0102 - Loss-of-function is a known mechanism of disease for this gene. (N) 0107 - This gene is known to be associated with autosomal dominant disease. (N) 0112 - Variants in this gene are known to have reduced penetrance (OMIM). (N) 0200 - Variant is predicted to result in a missense amino acid change from an isoleucine to a threonine (exon 21). (N) 0251 - Variant is heterozygous. (N) 0308 - Population frequency for this variant is out of keeping with known incidence of polycystic kidney disease (gnomAD (v2): 65 heterozygotes, 0 homozygotes). (B) 0309 - An alternative amino acid change at the same position has been observed in gnomAD (1 heterozygote, 0 homozygotes). (N) 0502 - Missense variant with conflicting in-silico predictions and uninformative conservation. (N) 0600 - Variant is located in an annotated domain or motif (REJ domain (Hoefele, J. et al. (2011))). (N) 0705 - No comparable variants have previous evidence for pathogenicity. (N) 0803 - Low previous evidence of pathogenicity in unrelated individuals (Hoefele, J. et al. (2011)). (P) 0905 - No segregation evidence has been identified for this variant. (N) 1007 - No published functional evidence has been identified for this variant. (N) 1208 - Inheritance information for this variant is not currently available. (N) Legend: (P) - Pathogenic, (N) - Neutral, (B) - Benign

Centre for Mendelian Genomics, University Medical Centre Ljubljana
Classification: Uncertain significance for Polycystic kidney disease, adult type. Last evaluated: 2018-12-03. Review status: criteria provided, single submitter. Criteria: ACMG Guidelines, 2015. Collection method: clinical testing. Allele origin: unknown. Affected: yes.
Comment: This variant was classified as: Uncertain significance. The available evidence on this variant's pathogenicity is insufficient or conflicting. The following ACMG criteria were applied in classifying this variant: PP3,PP5.

Department of Pathology and Laboratory Medicine, Sinai Health System
Classification: Uncertain significance for Polycystic Kidney disease. Review status: no assertion criteria provided. Collection method: clinical testing. Allele origin: unknown. Affected: yes. Study: The Canadian Open Genetics Repository (COGR). Not counted in ClinVar's aggregate classification.
Comment: The PKD1 p.Ile2646Thr variant was identified in 1 of 186 proband chromosomes (frequency: 0.005) from German individuals or families with ADPKD (Hoefele_2011_ 21115670). The variant was also identified in dbSNP (ID: rs374500158) as â€šÃ„ÃºNAâ€šÃ„Ã¹, ADPKD Mutation Database (classified indeterminate), and in control databases in 60 of 258388 chromosomes at a frequency of 0.0002 increasing the likelihood this could be a low frequency benign variant (Genome Aggregation Database Feb 27, 2017). Breakdown of the observations by population include Other in 2 of 6236 chromosomes (freq: 0.0003), Latino in 4 of 34178 chromosomes (freq: 0.0001), European Non-Finnish in 52 of 121050 chromosomes (freq: 0.0004), Ashkenazi Jewish in 1 of 9890 chromosomes (freq: 0.0001), and European Finnish in 1 of 15996 chromosomes (freq: 0.00006), while not observed in the African, East Asian, and South Asian populations. In addition we cannot be certain that data from control databases is specific to PKD1 and not from one of the six PKD1 pseudogenes. The variant was not identified in ClinVar, GeneInsight-COGR, LOVD 3.0, and PKD1-LOVD databases. Although the p.Ile2646 residue is not conserved in mammals and other organisms, computational analyses (PolyPhen-2, SIFT, AlignGVGD, BLOSUM, MutationTaster) suggest that the Ile variant may impact the protein. The variant occurs outside of the splicing consensus sequence and in silico or computational prediction software programs (SpliceSiteFinder, MaxEntScan, NNSPLICE, GeneSplicer, HumanSpliceFinder) do not predict a difference in splicing. In summary, based on the above information the clinical significance of this variant cannot be determined with certainty at this time. This variant is classified as a variant of uncertain significance.

Literature cited by the submitters: PubMed 21115670 (cited by Victorian Clinical Genetics Services, Murdoch Childrens Research Institute).